The following is an entry in ClinVar:

ClinVar aggregate classification (germline): Likely benign. Review status: criteria provided, multiple submitters, no conflicts (2 of 4 stars). 2 submissions from 2 submitters: Likely benign (2). Last evaluated 2025-03-30.

Submissions (2):

Labcorp Genetics (formerly Invitae), Labcorp
Classification: Likely benign. Last evaluated: 2025-03-30. Review status: criteria provided, single submitter. Criteria: Invitae Variant Classification Sherloc (09022015). Collection method: clinical testing. Allele origin: germline.

CeGaT Center for Human Genetics Tuebingen
Classification: Likely benign. Last evaluated: 2023-01-01. Review status: criteria provided, single submitter. Criteria: CeGaT Center For Human Genetics Tuebingen Variant Classification Criteria Version 2. Collection method: clinical testing. Allele origin: germline. Affected: yes. Observed: 1 variant allele.
Comment: ARID1B: BP4, BP7

NM_001374828.1(ARID1B):c.1278C>G (p.Ala426=)

Gene: ARID1B (AT-rich interaction domain 1B; plus strand). Cytogenetic location: 6q25.3.
Variant type: single nucleotide variant.
Coding change: c.1278C>G on transcript NM_001374828.1 (MANE Select); coding-DNA position 1278, C replaced by G.
Protein change: p.Ala426=; no amino-acid change (alanine 426 retained).
Molecular consequence: synonymous variant.
Genome position (GRCh38, 1-based): chr6:156,778,958, C>G. VCF-style: chr6-156778958-C-G. GRCh37 (hg19) VCF-style: chr6-157100092-C-G.
Other names: c.1029C>G, p.Ala343= (NM_001346813.1, NM_020732.3); c.1278C>G, p.Ala426= (NM_001371656.1, NM_001374820.1, NM_017519.3); c.855C>G, p.Ala285= (NM_175863.2).
Identifiers: ClinVar variation 2657057 (VCV002657057.25), dbSNP rs1237746439, ClinGen allele CA452989062.
Genomic context (GRCh38, chr6:156,778,958, plus strand): 5'-AGGAGGAGGAGGAGGAGCAGGAGCAGGAGGAGCAGGAGCGGGAGCTGTGGCGGCGGCGGC[C>G]GCGGCGGCGGCGGCAGCAGCAGGAGGCGGCGGCGGCGGCGGCTATGGGGGCTCGTCCGCG-3'
Protein context (NP_001361757.1, residues 416-436): GAGAGAVAAA[Ala426=]AAAAAAAGGG